The following is an entry in ClinVar:

NM_018706.7(DHTKD1):c.1384T>C (p.Tyr462His)

Gene: DHTKD1 (dehydrogenase E1 and transketolase domain containing 1; plus strand). Cytogenetic location: 10p14.
Variant type: single nucleotide variant.
Coding change: c.1384T>C on transcript NM_018706.7 (MANE Select); coding-DNA position 1384, T replaced by C.
Protein change: p.Tyr462His; replaces tyrosine 462 with histidine.
Molecular consequence: missense variant.
Genome position (GRCh38, 1-based): chr10:12,097,709, T>C. VCF-style: chr10-12097709-T-C. GRCh37 (hg19) VCF-style: chr10-12139708-T-C.
Other names: short protein forms Y462H.
Identifiers: ClinVar variation 2783732 (VCV002783732.3), dbSNP rs2491491528, ClinGen allele CA376020567.

ClinVar aggregate classification (germline): Uncertain significance (1 of 4 stars; one submission).

Conditions:
2-aminoadipic 2-oxoadipic aciduria (AAKAD). Also called: Aminoadipic aciduria; ALPHA-AMINOADIPIC AND ALPHA-KETOADIPIC ACIDURIA. Identifiers: Orphanet 79154, MedGen C1859817, MONDO:0008774, OMIM 204750.

Allele frequency attached by ClinVar (database versions not stated): gnomAD exomes below 0.00001.
gnomAD v4.1: 6 of 1,613,744 alleles (0.00037%); highest among the groups gnomAD compares: Non-Finnish European, 0.00051%; no homozygotes.

Submission:

Labcorp Genetics (formerly Invitae), Labcorp
Classification: Uncertain significance for 2-aminoadipic 2-oxoadipic aciduria. Last evaluated: 2022-12-24. Review status: criteria provided, single submitter. Criteria: Invitae Variant Classification Sherloc (09022015). Collection method: clinical testing. Allele origin: germline.
Comment: In summary, the available evidence is currently insufficient to determine the role of this variant in disease. Therefore, it has been classified as a Variant of Uncertain Significance. This sequence change replaces tyrosine, which is neutral and polar, with histidine, which is basic and polar, at codon 462 of the DHTKD1 protein (p.Tyr462His). This variant is not present in population databases (gnomAD no frequency). This variant has not been reported in the literature in individuals affected with DHTKD1-related conditions. Algorithms developed to predict the effect of missense changes on protein structure and function (SIFT, PolyPhen-2, Align-GVGD) all suggest that this variant is likely to be disruptive.